The following is an entry in ClinVar:

ClinVar aggregate classification (germline): Likely pathogenic. Review status: criteria provided, single submitter (1 of 4 stars). 2 submissions from 2 submitters: Likely pathogenic (1). 1 of the submissions does not count toward it. Last evaluated 2025-08-11.

Conditions:
Bardet-Biedl syndrome 12 (BBS12). Identifiers: Orphanet 110, MedGen C1859570, MONDO:0014440, OMIM 615989.

Allele frequency attached by ClinVar (database versions not stated): gnomAD exomes below 0.00001 and 0.00001; ExAC 0.00002.

Submissions (2):

Natera, Inc.
Classification: Likely pathogenic for Bardet-Biedl syndrome type 12. Last evaluated: 2025-08-11. Review status: criteria provided, single submitter. Criteria: Natera Variant Classification Schema (03/2026). Collection method: clinical testing. Allele origin: germline.
Comment: The c.1616G>T variant in BBS12 is a missense variant predicted to cause substitution of glycine to valine at amino acid 539. This variant is rare in the general population with a frequency below the threshold expected for the associated phenotype(s). This variant has been observed in one or more individuals affected with the associated recessive disease, as either homozygous or compound heterozygous with a second variant (PMID: 27659767, 28418496). A different variant at the same position has been determined to be Pathogenic or Likely Pathogenic. Computational prediction algorithms indicate this variant is likely to affect gene or protein function. Given the available evidence, this variant is classified as Likely Pathogenic.

Counsyl
Classification: Uncertain significance for Bardet-Biedl syndrome 12. Last evaluated: 2017-12-08. Review status: no assertion criteria provided. Collection method: clinical testing. Allele origin: unknown. Not counted in ClinVar's aggregate classification.

Literature cited by the submitters: PubMed 27659767 (cited by Natera, Inc. and Counsyl); PubMed 28418496 (cited by Natera, Inc.).

NM_152618.3(BBS12):c.1616G>T (p.Gly539Val)

Gene: BBS12 (Bardet-Biedl syndrome 12; plus strand). Cytogenetic location: 4q27.
Variant type: single nucleotide variant.
Coding change: c.1616G>T on transcript NM_152618.3 (MANE Select); coding-DNA position 1616, G replaced by T.
Protein change: p.Gly539Val; replaces glycine 539 with valine.
Molecular consequence: missense variant.
Genome position (GRCh38, 1-based): chr4:122,743,508, G>T. VCF-style: chr4-122743508-G-T. GRCh37 (hg19) VCF-style: chr4-123664663-G-T.
Other names: c.1616G>T, p.Gly539Val (NM_001178007.2); short protein forms G539V.
Identifiers: ClinVar variation 555332 (VCV000555332.4), dbSNP rs755314355, ClinGen allele CA3069485.